The following is an entry in ClinVar:

NM_006080.3(SEMA3A):c.311A>G (p.Lys104Arg)

Gene: SEMA3A (semaphorin 3A; minus strand). Cytogenetic location: 7q21.11.
Variant type: single nucleotide variant.
Coding change: c.311A>G on transcript NM_006080.3 (MANE Select); coding-DNA position 311, A replaced by G.
Protein change: p.Lys104Arg; replaces lysine 104 with arginine.
Molecular consequence: missense variant.
Genome position (GRCh38, 1-based): chr7:84,129,145, T>C on the plus strand (A>G on the coding strand, the complement: SEMA3A is on the minus strand). VCF-style: chr7-84129145-T-C. GRCh37 (hg19) VCF-style: chr7-83758461-T-C.
Other names: short protein forms K104R.
Identifiers: ClinVar variation 4990653 (VCV004990653.1).

ClinVar aggregate classification (germline): Uncertain significance (1 of 4 stars; one submission).

Conditions:
SEMA3A-related disorder. Also called: SEMA3A-related condition.

gnomAD v4.1: 4 of 1,613,034 alleles (0.00025%); highest among the groups gnomAD compares: Admixed American, 0.0017%; no homozygotes.

Submission:

PreventionGenetics, part of Exact Sciences
Classification: Uncertain significance for SEMA3A-related condition. Last evaluated: 2025-03-06. Review status: criteria provided, single submitter. Criteria: ACMG Guidelines, 2015. Collection method: clinical testing. Allele origin: germline.
Comment: The SEMA3A c.311A>G variant is predicted to result in the amino acid substitution p.Lys104Arg. To our knowledge, this variant has not been reported in the literature or in a large population database, indicating this variant is rare. At this time, the clinical significance of this variant is uncertain due to the absence of conclusive functional and genetic evidence.